The following is an entry in ClinVar:

ClinVar aggregate classification (germline): Pathogenic/Likely pathogenic. Review status: criteria provided, multiple submitters, no conflicts (2 of 4 stars). 4 submissions from 4 submitters: Pathogenic (2); Likely pathogenic (2). Last evaluated 2026-06-01.

Conditions:
Inborn genetic diseases. Identifiers: MedGen C0950123, MeSH D030342.

Submissions (4):

CeGaT Center for Human Genetics Tuebingen
Classification: Likely pathogenic. Last evaluated: 2026-06-01. Review status: criteria provided, single submitter. Criteria: CeGaT Center For Human Genetics Tuebingen Variant Classification Criteria Version 2. Collection method: clinical testing. Allele origin: germline. Affected: yes. Observed: 1 variant allele.
Comment: POLR2A: PM2, PS2:Moderate, PP2, PS4:Supporting

Dasa
Classification: Likely pathogenic. Last evaluated: 2026-03-02. Review status: criteria provided, single submitter. Criteria: DASA Assertion Criteria. Collection method: clinical testing. Allele origin: germline.
Comment: NM_000937.5(POLR2A):c.3865G>A (p.Glu1289Lys) is a missense variant that results in the substitution of glutamic acid with lysine. This variant has been reported as a de novo occurrence in an affected individual (PMID: 35689525). Also, this variant is absent from population databases. Based on the currently available evidence, this variant is classified as likely pathogenic.

Ambry Genetics
Classification: Pathogenic for Inborn genetic diseases. Last evaluated: 2025-08-08. Review status: criteria provided, single submitter. Criteria: Ambry Variant Classification Scheme 2023. Collection method: clinical testing. Allele origin: germline.
Comment: The c.3865G>A (p.E1289K) alteration is located in exon 23 (coding exon 23) of the POLR2A gene. This alteration results from a G to A substitution at nucleotide position 3865, causing the glutamic acid (E) at amino acid position 1289 to be replaced by a lysine (K). This variant was not reported in population-based cohorts in the Genome Aggregation Database (gnomAD). This variant was reported in individual(s) with features consistent with POLR2A-related neurodevelopmental disorder; in at least one individual, it was determined to be de novo (Paparella, 2022). This amino acid position is highly conserved in available vertebrate species. This alteration is predicted to be deleterious by in silico analysis. Based on the available evidence, this alteration is classified as pathogenic.

GeneDx
Classification: Pathogenic. Last evaluated: 2023-11-20. Review status: criteria provided, single submitter. Criteria: GeneDx Variant Classification Process June 2021. Collection method: clinical testing. Allele origin: germline. Affected: yes.
Comment: Not observed at significant frequency in large population cohorts (gnomAD); In silico analysis supports that this missense variant has a deleterious effect on protein structure/function; This variant is associated with the following publications: (PMID: 35689525)

Literature cited by the submitters: PubMed 35689525 (cited by Dasa and Ambry Genetics).

NM_000937.5(POLR2A):c.3865G>A (p.Glu1289Lys)

Gene: POLR2A (RNA polymerase II subunit A; plus strand). Cytogenetic location: 17p13.1.
Variant type: single nucleotide variant.
Coding change: c.3865G>A on transcript NM_000937.5 (MANE Select); coding-DNA position 3865, G replaced by A.
Protein change: p.Glu1289Lys; replaces glutamic acid 1289 with lysine.
Molecular consequence: missense variant.
Genome position (GRCh38, 1-based): chr17:7,511,266, G>A. VCF-style: chr17-7511266-G-A. GRCh37 (hg19) VCF-style: chr17-7414585-G-A.
Other names: short protein forms E1289K.
Identifiers: ClinVar variation 3342858 (VCV003342858.6).